The following is an entry in ClinVar:

NM_000391.4(TPP1):c.1204G>A (p.Glu402Lys)

Gene: TPP1 (tripeptidyl peptidase 1; minus strand). Cytogenetic location: 11p15.4.
Variant type: single nucleotide variant.
Coding change: c.1204G>A on transcript NM_000391.4 (MANE Select); coding-DNA position 1204, G replaced by A.
Protein change: p.Glu402Lys; replaces glutamic acid 402 with lysine.
Molecular consequence: missense variant.
Genome position (GRCh38, 1-based): chr11:6,615,504, C>T on the plus strand (G>A on the coding strand, the complement: TPP1 is on the minus strand). VCF-style: chr11-6615504-C-T. GRCh37 (hg19) VCF-style: chr11-6636735-C-T.
Other names: short protein forms E402K.
Identifiers: ClinVar variation 4807452 (VCV004807452.1).
Genomic context (GRCh38, chr11:6,615,504, plus strand): 5'-GGTATGAAGGCCGTGGGAACACATTGCTGAAGCCACCACCACTGATATAGTCAACAATTT[C>T]ATTTGTGATGAGGAAAGGTTCCTGGAAGGATGTGCCTCCCACTGTGGTGACATAGGGGCT-3'
Protein context (NP_000382.3, residues 392-412): SFQEPFLITN[Glu402Lys]IVDYISGGGF

ClinVar aggregate classification (germline): Likely pathogenic (1 of 4 stars; one submission).

Submission:

Labcorp Genetics (formerly Invitae), Labcorp
Classification: Likely pathogenic. Last evaluated: 2025-06-27. Review status: criteria provided, single submitter. Criteria: Invitae Variant Classification Sherloc (09022015). Collection method: clinical testing. Allele origin: germline.
Comment: This sequence change replaces glutamic acid, which is acidic and polar, with lysine, which is basic and polar, at codon 402 of the TPP1 protein (p.Glu402Lys). This variant is not present in population databases (gnomAD no frequency). This variant has not been reported in the literature in individuals affected with TPP1-related conditions. Invitae Evidence Modeling of protein sequence and biophysical properties (such as structural, functional, and spatial information, amino acid conservation, physicochemical variation, residue mobility, and thermodynamic stability) indicates that this missense variant is expected to disrupt TPP1 protein function with a positive predictive value of 95%. This variant disrupts the p.Glu402 amino acid residue in TPP1. Other variant(s) that disrupt this residue have been determined to be pathogenic (PMID: 37074398). This suggests that this residue is clinically significant, and that variants that disrupt this residue are likely to be disease-causing. In summary, the currently available evidence indicates that the variant is pathogenic, but additional data are needed to prove that conclusively. Therefore, this variant has been classified as Likely Pathogenic.

Literature cited by the submitters: PubMed 37074398.